The following is an entry in ClinVar:

ClinVar aggregate classification (germline): Uncertain significance (1 of 4 stars; one submission).

Conditions:
Cardiac arrhythmia. Also called: Arrhythmia; Cardiac rhythm disease. Identifiers: MedGen C0003811, MONDO:0007263, HP:0011675.

Submission:

Color Diagnostics, LLC DBA Color Health
Classification: Uncertain significance for Cardiac arrhythmia. Last evaluated: 2023-01-09. Review status: criteria provided, single submitter. Criteria: ACMG Guidelines, 2015. Collection method: clinical testing. Allele origin: germline.
Comment: This missense variant replaces isoleucine with valine at codon 798 of the KCNH2 protein. Computational prediction suggests that this variant may have deleterious impact on protein structure and function (internally defined REVEL score threshold >= 0.7, PMID: 27666373). To our knowledge, functional studies have not been reported for this variant. This variant has not been reported in individuals affected with KCNH2-related disorders in the literature. This variant has not been identified in the general population by the Genome Aggregation Database (gnomAD). The available evidence is insufficient to determine the role of this variant in disease conclusively. Therefore, this variant is classified as a Variant of Uncertain Significance.

NM_000238.4(KCNH2):c.2392A>G (p.Ile798Val)

Gene: KCNH2 (potassium voltage-gated channel subfamily H member 2; minus strand). Cytogenetic location: 7q36.1.
Variant type: single nucleotide variant.
Coding change: c.2392A>G on transcript NM_000238.4 (MANE Select); coding-DNA position 2392, A replaced by G.
Protein change: p.Ile798Val; replaces isoleucine 798 with valine.
Molecular consequence: missense variant. On other transcripts: non-coding transcript variant (2).
Genome position (GRCh38, 1-based): chr7:150,950,174, T>C on the plus strand (A>G on the coding strand, the complement: KCNH2 is on the minus strand). VCF-style: chr7-150950174-T-C. GRCh37 (hg19) VCF-style: chr7-150647262-T-C.
Other names: c.1372A>G, p.Ile458Val (NM_172057.3, NM_001204798.2); c.2104A>G, p.Ile702Val (NM_001406753.1, NM_001406756.1); c.2215A>G, p.Ile739Val (NM_001406755.1); c.2092A>G, p.Ile698Val (NM_001406757.1); c.2392A>G, p.Ile798Val (NM_172056.3); short protein forms I458V, I798V, I702V, I739V, I698V.
Identifiers: ClinVar variation 2773437 (VCV002773437.2), dbSNP rs2116948440, ClinGen allele CA369855992.